The following is an entry in ClinVar:

ClinVar aggregate classification (germline): Uncertain significance (1 of 4 stars; one submission).

Submission:

Labcorp Genetics (formerly Invitae), Labcorp
Classification: Uncertain significance. Last evaluated: 2022-02-01. Review status: criteria provided, single submitter. Criteria: Invitae Variant Classification Sherloc (09022015). Collection method: clinical testing. Allele origin: germline.
Comment: This sequence change replaces alanine, which is neutral and non-polar, with serine, which is neutral and polar, at codon 386 of the ABCA4 protein (p.Ala386Ser). This variant is present in population databases (rs770754513, gnomAD 0.02%). This variant has not been reported in the literature in individuals affected with ABCA4-related conditions. Advanced modeling of protein sequence and biophysical properties (such as structural, functional, and spatial information, amino acid conservation, physicochemical variation, residue mobility, and thermodynamic stability) performed at Invitae indicates that this missense variant is not expected to disrupt ABCA4 protein function. In summary, the available evidence is currently insufficient to determine the role of this variant in disease. Therefore, it has been classified as a Variant of Uncertain Significance.

NM_000350.3(ABCA4):c.1156G>T (p.Ala386Ser)

Gene: ABCA4 (ATP binding cassette subfamily A member 4; minus strand). Cytogenetic location: 1p22.1.
Variant type: single nucleotide variant.
Coding change: c.1156G>T on transcript NM_000350.3 (MANE Select); coding-DNA position 1156, G replaced by T.
Protein change: p.Ala386Ser; replaces alanine 386 with serine.
Molecular consequence: missense variant.
Genome position (GRCh38, 1-based): chr1:94,079,405, C>A on the plus strand (G>T on the coding strand, the complement: ABCA4 is on the minus strand). VCF-style: chr1-94079405-C-A. GRCh37 (hg19) VCF-style: chr1-94544961-C-A.
Other names: c.1156G>T, p.Ala386Ser (NM_001425324.1); short protein forms A386S.
Identifiers: ClinVar variation 1503633 (VCV001503633.5), dbSNP rs770754513, ClinGen allele CA958622.